The following is an entry in ClinVar:

NM_000203.5(IDUA):c.535A>G (p.Thr179Ala)

Gene: IDUA (alpha-L-iduronidase; plus strand). Cytogenetic location: 4p16.3.
Variant type: single nucleotide variant.
Coding change: c.535A>G on transcript NM_000203.5 (MANE Select); coding-DNA position 535, A replaced by G.
Protein change: p.Thr179Ala; replaces threonine 179 with alanine.
Molecular consequence: missense variant. On other transcripts: non-coding transcript variant (1).
Genome position (GRCh38, 1-based): chr4:1,001,509, A>G. VCF-style: chr4-1001509-A-G. GRCh37 (hg19) VCF-style: chr4-995297-A-G.
Other names: p.Thr179Ala; c.139A>G, p.Thr47Ala (NM_001363576.1); c.535A>G (NM_000203.4); short protein forms T179A, T47A.
Identifiers: ClinVar variation 1481343 (VCV001481343.11), dbSNP rs766030255, ClinGen allele CA91167233.

ClinVar aggregate classification (germline): Conflicting classifications of pathogenicity. Review status: criteria provided, conflicting classifications (1 of 4 stars). 4 submissions from 4 submitters: Likely pathogenic (1); Uncertain significance (3). Last evaluated 2025-10-20.

Conditions:
Mucopolysaccharidosis type 1. Also called: Mucopolysaccharidosis Type I; IDUA deficiency; MPS I. Identifiers: Orphanet 579, MedGen C0023786, MONDO:0001586.

Allele frequency attached by ClinVar (database versions not stated): TOPMed below 0.00001; gnomAD 0.00001.
gnomAD v4.1: 1 of 1,613,046 alleles (0.000062%); highest among the groups gnomAD compares: African/African-American, 0.0013%; no homozygotes.

Submissions (4):

Mayo Clinic Laboratories, Mayo Clinic
Classification: Uncertain significance. Last evaluated: 2025-10-20. Review status: criteria provided, single submitter. Criteria: ACMG Guidelines, 2015. Collection method: clinical testing. Allele origin: germline. Observed: 1 variant allele.
Comment: PP3_moderate, PM2_supporting, PM5

Revvity Omics, Revvity
Classification: Uncertain significance. Last evaluated: 2024-08-29. Review status: criteria provided, single submitter. Criteria: ACMG Guidelines, 2015. Collection method: clinical testing. Allele origin: germline.

Labcorp Genetics (formerly Invitae), Labcorp
Classification: Likely pathogenic for Mucopolysaccharidosis type 1. Last evaluated: 2024-03-12. Review status: criteria provided, single submitter. Criteria: Invitae Variant Classification Sherloc (09022015). Collection method: clinical testing. Allele origin: germline.
Comment: This sequence change replaces threonine, which is neutral and polar, with alanine, which is neutral and non-polar, at codon 179 of the IDUA protein (p.Thr179Ala). This variant is present in population databases (no rsID available, gnomAD 0.01%). This variant has not been reported in the literature in individuals affected with IDUA-related conditions. ClinVar contains an entry for this variant (Variation ID: 1481343). Advanced modeling of protein sequence and biophysical properties (such as structural, functional, and spatial information, amino acid conservation, physicochemical variation, residue mobility, and thermodynamic stability) performed at Invitae indicates that this missense variant is expected to disrupt IDUA protein function with a positive predictive value of 80%. This variant disrupts the p.Thr179 amino acid residue in IDUA. Other variant(s) that disrupt this residue have been determined to be pathogenic (PMID: 21480867; Invitae). This suggests that this residue is clinically significant, and that variants that disrupt this residue are likely to be disease-causing. In summary, the currently available evidence indicates that the variant is pathogenic, but additional data are needed to prove that conclusively. Therefore, this variant has been classified as Likely Pathogenic.

Women's Health and Genetics/Laboratory Corporation of America, LabCorp
Classification: Uncertain significance. Last evaluated: 2023-05-09. Review status: criteria provided, single submitter. Criteria: LabCorp Variant Classification Summary - May 2015. Collection method: clinical testing. Allele origin: germline.
Comment: Variant summary: IDUA c.535A>G (p.Thr179Ala) results in a non-conservative amino acid change in the encoded protein sequence. Five of five in-silico tools predict a damaging effect of the variant on protein function. The variant was absent in 250940 control chromosomes (gnomAD). The available data on variant occurrences in the general population are insufficient to allow any conclusion about variant significance. To our knowledge, no occurrence of c.535A>G in individuals affected with Mucopolysaccharidosis Type 1 and no experimental evidence demonstrating its impact on protein function have been reported. Two clinical diagnostic laboratories have submitted clinical-significance assessments for this variant to ClinVar after 2014 and classified the variant as likely pathogenic, and as uncertain significance. Based on the evidence outlined above, the variant was classified as uncertain significance.

Literature cited by the submitters: PubMed 21480867 (cited by Labcorp Genetics (formerly Invitae), Labcorp).